The following is an entry in ClinVar:

NM_032119.4(ADGRV1):c.15814A>C (p.Asn5272His)

Gene: ADGRV1 (adhesion G protein-coupled receptor V1; plus strand). Cytogenetic location: 5q14.3.
Variant type: single nucleotide variant.
Coding change: c.15814A>C on transcript NM_032119.4 (MANE Select); coding-DNA position 15814, A replaced by C.
Protein change: p.Asn5272His; replaces asparagine 5272 with histidine.
Molecular consequence: missense variant. On other transcripts: non-coding transcript variant (1).
Genome position (GRCh38, 1-based): chr5:90,811,074, A>C. VCF-style: chr5-90811074-A-C. GRCh37 (hg19) VCF-style: chr5-90106891-A-C.
Other names: short protein forms N5272H.
Identifiers: ClinVar variation 2129754 (VCV002129754.4), dbSNP rs2532191687, ClinGen allele CA360411016.

ClinVar aggregate classification (germline): Uncertain significance (1 of 4 stars; one submission).

Allele frequency attached by ClinVar (database versions not stated): gnomAD exomes below 0.00001.
gnomAD v4.1: 1 of 1,614,008 alleles (0.000062%); highest among the groups gnomAD compares: Admixed American, 0.0017%; no homozygotes.

Submission:

Labcorp Genetics (formerly Invitae), Labcorp
Classification: Uncertain significance. Last evaluated: 2022-04-23. Review status: criteria provided, single submitter. Criteria: Invitae Variant Classification Sherloc (09022015). Collection method: clinical testing. Allele origin: germline.
Comment: In summary, the available evidence is currently insufficient to determine the role of this variant in disease. Therefore, it has been classified as a Variant of Uncertain Significance. Algorithms developed to predict the effect of missense changes on protein structure and function output the following: SIFT: "Tolerated"; PolyPhen-2: "Possibly Damaging"; Align-GVGD: "Class C0". The histidine amino acid residue is found in multiple mammalian species, which suggests that this missense change does not adversely affect protein function. This variant has not been reported in the literature in individuals affected with ADGRV1-related conditions. This variant is not present in population databases (gnomAD no frequency). This sequence change replaces asparagine, which is neutral and polar, with histidine, which is basic and polar, at codon 5272 of the ADGRV1 protein (p.Asn5272His).